The following is an entry in ClinVar:

NM_001308093.3(GATA4):c.971A>G (p.Lys324Arg)

Gene: GATA4 (GATA binding protein 4). Cytogenetic location: 8p23.1.
Variant type: single nucleotide variant.
Coding change: c.971A>G on transcript NM_001308093.3 (MANE Select); coding-DNA position 971, A replaced by G.
Protein change: p.Lys324Arg; replaces lysine 324 with arginine.
Molecular consequence: missense variant.
Genome position (GRCh38, 1-based): chr8:11,755,104, A>G. VCF-style: chr8-11755104-A-G. GRCh37 (hg19) VCF-style: chr8-11612613-A-G.
Other names: c.350A>G, p.Lys117Arg (NM_001308094.2, NM_001374273.1); c.224A>G, p.Lys75Arg (NM_001374274.1); c.968A>G, p.Lys323Arg (NM_002052.5); short protein forms K117R, K323R, K324R, K75R.
Identifiers: ClinVar variation 4855851 (VCV004855851.1).

ClinVar aggregate classification (germline): Uncertain significance (1 of 4 stars; one submission).

Conditions:
Testicular anomalies with or without congenital heart disease (TACHD). Identifiers: Orphanet 251510, MedGen C3809858, MONDO:0014239, OMIM 615542.

Submission:

3billion
Classification: Uncertain significance for Testicular anomalies with or without congenital heart disease. Last evaluated: 2025-07-15. Review status: criteria provided, single submitter. Criteria: ACMG Guidelines, 2015. Collection method: clinical testing. Allele origin: germline. Affected: yes.
Comment: The variant is not observed in the gnomAD v4.1.0 dataset. Predicted Consequence/Location: Missense variant In silico tool predictions suggest damaging effect of the variant on gene or gene product [REVEL: 0.66 (>=0.6, sensitivity 0.68 and specificity 0.92); 3Cnet: 0.78 (> 0.75, sensitivity 0.96 and precision 0.92)]. Therefore, this variant is classified as VUS according to the recommendation of ACMG/AMP guideline.